The following is an entry in ClinVar:

ClinVar aggregate classification (germline): Uncertain significance (1 of 4 stars; one submission).

Submission:

GeneDx
Classification: Uncertain significance. Last evaluated: 2023-09-23. Review status: criteria provided, single submitter. Criteria: GeneDx Variant Classification Process June 2021. Collection method: clinical testing. Allele origin: germline. Affected: yes.
Comment: Not observed at significant frequency in large population cohorts (gnomAD); Missense variants in this gene are often considered pathogenic (HGMD); In silico analysis supports that this missense variant has a deleterious effect on protein structure/function; Has not been previously published as pathogenic or benign to our knowledge; This variant is associated with the following publications: (PMID: 29493581)

NM_005633.4(SOS1):c.3938A>T (p.Glu1313Val)

Gene: SOS1 (SOS Ras/Rac guanine nucleotide exchange factor 1; minus strand). Cytogenetic location: 2p22.1.
Variant type: single nucleotide variant.
Coding change: c.3938A>T on transcript NM_005633.4 (MANE Select); coding-DNA position 3938, A replaced by T.
Protein change: p.Glu1313Val; replaces glutamic acid 1313 with valine.
Molecular consequence: missense variant.
Genome position (GRCh38, 1-based): chr2:38,985,888, T>A on the plus strand (A>T on the coding strand, the complement: SOS1 is on the minus strand). VCF-style: chr2-38985888-T-A. GRCh37 (hg19) VCF-style: chr2-39213029-T-A.
Other names: c.3917A>T, p.Glu1306Val (NM_001382394.1); c.3893A>T, p.Glu1298Val (NM_001382395.1); short protein forms E1298V, E1306V, E1313V.
Identifiers: ClinVar variation 3338752 (VCV003338752.1).